The following is an entry in ClinVar:

NM_001040108.2(MLH3):c.1910G>A (p.Arg637His)

Gene: MLH3 (mutL homolog 3; minus strand). Cytogenetic location: 14q24.3.
Variant type: single nucleotide variant.
Coding change: c.1910G>A on transcript NM_001040108.2 (MANE Select); coding-DNA position 1910, G replaced by A.
Protein change: p.Arg637His; replaces arginine 637 with histidine.
Molecular consequence: missense variant.
Genome position (GRCh38, 1-based): chr14:75,047,746, C>T on the plus strand (G>A on the coding strand, the complement: MLH3 is on the minus strand). VCF-style: chr14-75047746-C-T. GRCh37 (hg19) VCF-style: chr14-75514449-C-T.
Other names: c.1910G>A, p.Arg637His (NM_014381.3); short protein forms R637H.
Identifiers: ClinVar variation 1782502 (VCV001782502.5), dbSNP rs374740611, ClinGen allele CA7275796.
Genomic context (GRCh38, chr14:75,047,746, plus strand): 5'-TCTTTGATGTCTGGAGTTTCAACTGAATGACGTGTTCTATTTCCAAATGTTTCTTGGGCA[C>T]GTGTGGGACCAGGTCTAACATAATTTTTAAATGAATGTTCTGTTTCAGTTGATTTAGTTT-3'
Protein context (NP_001035197.1, residues 627-647): FKNYVRPGPT[Arg637His]AQETFGNRTR

ClinVar aggregate classification (germline): Uncertain significance. Review status: criteria provided, multiple submitters, no conflicts (2 of 4 stars). 2 submissions from 2 submitters: Uncertain significance (2). Last evaluated 2024-09-30.

Conditions:
Colorectal cancer, hereditary nonpolyposis, type 7. Identifiers: Orphanet 144, MedGen C1858380, MONDO:0013725, OMIM 614385.

Allele frequency attached by ClinVar (database versions not stated): gnomAD exomes 0.00001; TOPMed 0.00003; ExAC 0.00005; gnomAD 0.00005; ESP Exome Variant Server 0.00008.

Submissions (2):

Ambry Genetics
Classification: Uncertain significance. Last evaluated: 2024-09-30. Review status: criteria provided, single submitter. Criteria: Ambry Variant Classification Scheme 2023. Collection method: clinical testing. Allele origin: germline.
Comment: The p.R637H variant (also known as c.1910G>A), located in coding exon 1 of the MLH3 gene, results from a G to A substitution at nucleotide position 1910. The arginine at codon 637 is replaced by histidine, an amino acid with highly similar properties. This amino acid position is poorly conserved in available vertebrate species. In addition, this alteration is predicted to be tolerated by in silico analysis. The evidence for this gene-disease relationship is limited; therefore, the clinical significance of this alteration is unclear.

Labcorp Genetics (formerly Invitae), Labcorp
Classification: Uncertain significance for Colorectal cancer, hereditary nonpolyposis, type 7. Last evaluated: 2024-02-27. Review status: criteria provided, single submitter. Criteria: Invitae Variant Classification Sherloc (09022015). Collection method: clinical testing. Allele origin: germline.
Comment: This sequence change replaces arginine, which is basic and polar, with histidine, which is basic and polar, at codon 637 of the MLH3 protein (p.Arg637His). This variant is present in population databases (rs374740611, gnomAD 0.02%). This variant has not been reported in the literature in individuals affected with MLH3-related conditions. ClinVar contains an entry for this variant (Variation ID: 1782502). An algorithm developed to predict the effect of missense changes on protein structure and function (PolyPhen-2) suggests that this variant is likely to be tolerated. In summary, the available evidence is currently insufficient to determine the role of this variant in disease. Therefore, it has been classified as a Variant of Uncertain Significance.